The following is an entry in ClinVar:

NM_020822.3(KCNT1):c.346C>T (p.Arg116Trp)

Gene: KCNT1 (potassium sodium-activated channel subfamily T member 1; plus strand). Cytogenetic location: 9q34.3.
Variant type: single nucleotide variant.
Coding change: c.346C>T on transcript NM_020822.3 (MANE Select); coding-DNA position 346, C replaced by T.
Protein change: p.Arg116Trp; replaces arginine 116 with tryptophan.
Molecular consequence: missense variant.
Genome position (GRCh38, 1-based): chr9:135,750,953, C>T. VCF-style: chr9-135750953-C-T. GRCh37 (hg19) VCF-style: chr9-138642799-C-T.
Other names: c.202C>T, p.Arg68Trp (NM_001272003.2); short protein forms R116W, R68W.
Identifiers: ClinVar variation 948351 (VCV000948351.12), dbSNP rs1588309625, ClinGen allele CA375494907.

ClinVar aggregate classification (germline): Uncertain significance. Review status: criteria provided, multiple submitters, no conflicts (2 of 4 stars). 2 submissions from 2 submitters: Uncertain significance (2). Last evaluated 2025-07-14.

Conditions:
Developmental and epileptic encephalopathy, 14 (DEE14). Also called: Early infantile epileptic encephalopathy 14. Identifiers: Orphanet 293181, MedGen C3554195, MONDO:0013989, OMIM 614959.
Autosomal dominant nocturnal frontal lobe epilepsy 5. Also called: Epilepsy, nocturnal frontal lobe, 5; CILIARY DYSKINESIA, PRIMARY, 28, WITHOUT SITUS INVERSUS; CILIARY DYSKINESIA, PRIMARY, 28, WITH SITUS INVERSUS; KCNT1-Related Epilepsy. Identifiers: Orphanet 98784, MedGen C3554306, MONDO:0014002, OMIM 615005.

Allele frequency attached by ClinVar (database versions not stated): gnomAD exomes below 0.00001; TOPMed below 0.00001; gnomAD 0.00001.
gnomAD v4.1: 5 of 1,612,986 alleles (0.00031%); highest among the groups gnomAD compares: Admixed American, 0.0017%; no homozygotes.

Submissions (2):

Labcorp Genetics (formerly Invitae), Labcorp
Classification: Uncertain significance for Autosomal dominant nocturnal frontal lobe epilepsy 5; Developmental and epileptic encephalopathy, 14. Last evaluated: 2025-07-14. Review status: criteria provided, single submitter. Criteria: Invitae Variant Classification Sherloc (09022015). Collection method: clinical testing. Allele origin: germline.
Comment: This sequence change replaces arginine, which is basic and polar, with tryptophan, which is neutral and slightly polar, at codon 116 of the KCNT1 protein (p.Arg116Trp). This variant is not present in population databases (gnomAD no frequency). This variant has not been reported in the literature in individuals affected with KCNT1-related conditions. ClinVar contains an entry for this variant (Variation ID: 948351). Invitae Evidence Modeling of protein sequence and biophysical properties (such as structural, functional, and spatial information, amino acid conservation, physicochemical variation, residue mobility, and thermodynamic stability) has been performed for this missense variant. However, the output from this modeling did not meet the statistical confidence thresholds required to predict the impact of this variant on KCNT1 protein function. In summary, the available evidence is currently insufficient to determine the role of this variant in disease. Therefore, it has been classified as a Variant of Uncertain Significance.

GeneDx
Classification: Uncertain significance. Last evaluated: 2023-08-28. Review status: criteria provided, single submitter. Criteria: GeneDx Variant Classification Process June 2021. Collection method: clinical testing. Allele origin: germline.
Comment: Not observed at significant frequency in large population cohorts (gnomAD); In silico analysis supports that this missense variant has a deleterious effect on protein structure/function; Has not been previously published as pathogenic or benign to our knowledge